The following is an entry in ClinVar:

NC_012920.1(MT-ND5):m.13153A>G

Gene: MT-ND5 (mitochondrially encoded NADH dehydrogenase 5; plus strand).
Variant type: single nucleotide variant.
Genome position: chrM-13153-A-G.
Identifiers: ClinVar variation 693528 (VCV000693528.1), dbSNP rs878957731, ClinGen allele CA337099645.

ClinVar aggregate classification (germline): Likely benign (1 of 4 stars; one submission).

Conditions:
Leigh syndrome (NULS). Also called: Leigh's necrotizing encephalopathy; Leigh's disease; Leigh Syndrome (mtDNA deletion); Leigh Disease; Subacute necrotizing encephalopathy; Necrotizing encephalopathy infantile subacute of Leigh. Identifiers: Orphanet 506, MedGen C2931891, MONDO:0009723, OMIM 256000.

Submission:

Wong Mito Lab, Molecular and Human Genetics, Baylor College of Medicine
Classification: Likely benign for Leigh syndrome. Last evaluated: 2019-10-17. Review status: criteria provided, single submitter. Criteria: Modified ACMG Guidelines (Unpublished). Collection method: clinical testing. Allele origin: germline.
Comment: The NC_012920.1:m.13153A>G (YP_003024036.1:p.Ile273Val) variant in MTND5 gene is interpretated to be a Likely Benign variant based on the modified ACMG guidelines (unpublished). This variant meets the following evidence codes: BS1, BP4, BP6